The following is an entry in ClinVar:

NM_001267550.2(TTN):c.40502G>A (p.Arg13501His)

Gene: TTN (titin; minus strand). Cytogenetic location: 2q31.2.
Variant type: single nucleotide variant.
Coding change: c.40502G>A on transcript NM_001267550.2 (MANE Select); coding-DNA position 40502, G replaced by A.
Protein change: p.Arg13501His; replaces arginine 13501 with histidine.
Molecular consequence: missense variant.
Genome position (GRCh38, 1-based): chr2:178,642,293, C>T on the plus strand (G>A on the coding strand, the complement: TTN is on the minus strand). VCF-style: chr2-178642293-C-T. GRCh37 (hg19) VCF-style: chr2-179507020-C-T.
Other names: c.32798G>A, p.Arg10933His (NM_133378.4); c.35579G>A, p.Arg11860His (NM_001256850.1); c.13307G>A, p.Arg4436His (NM_003319.4); c.13682G>A, p.Arg4561His (NM_133432.3); c.13883G>A, p.Arg4628His (NM_133437.4); short protein forms R10933H, R13501H, R11860H, R4436H, R4561H, R4628H.
Identifiers: ClinVar variation 166076 (VCV000166076.36), dbSNP rs571348685, ClinGen allele CA178865.

ClinVar aggregate classification (germline): Conflicting classifications of pathogenicity. Review status: criteria provided, conflicting classifications (1 of 4 stars). 9 submissions from 9 submitters: Uncertain significance (2); Likely benign (6). 1 of the submissions does not count toward it. Last evaluated 2026-02-02.

Conditions:
Cardiovascular phenotype. Identifiers: MedGen CN230736.
TTN-related disorder. Also called: TTN-related disorders; TTN-related condition; TTN-related disease.
Dilated cardiomyopathy 1G (CMD1G). Identifiers: Orphanet 154, MedGen C1858763, MONDO:0011400, OMIM 604145.
Autosomal recessive limb-girdle muscular dystrophy type 2J (LGMDR10). Also called: Limb-girdle muscular dystrophy, type 2J; MUSCULAR DYSTROPHY, LIMB-GIRDLE, AUTOSOMAL RECESSIVE 10. Identifiers: Orphanet 140922, MedGen C1837342, MONDO:0012127, OMIM 608807.

Allele frequency attached by ClinVar (database versions not stated): TOPMed 0.00005; gnomAD 0.00007 and 0.00010; gnomAD exomes 0.00018; ExAC 0.00042; 1000 Genomes Project 30x 0.00078; 1000 Genomes Project 0.00100.
gnomAD v4.1: 204 of 1,593,852 alleles (0.013%); highest among the groups gnomAD compares: South Asian, 0.17%; 4 homozygotes.

Submissions (9):

Labcorp Genetics (formerly Invitae), Labcorp
Classification: Likely benign for Dilated cardiomyopathy 1G; Autosomal recessive limb-girdle muscular dystrophy type 2J. Last evaluated: 2026-02-02. Review status: criteria provided, single submitter. Criteria: Invitae Variant Classification Sherloc (09022015). Collection method: clinical testing. Allele origin: germline.

CeGaT Center for Human Genetics Tuebingen
Classification: Likely benign. Last evaluated: 2025-06-01. Review status: criteria provided, single submitter. Criteria: CeGaT Center For Human Genetics Tuebingen Variant Classification Criteria Version 2. Collection method: clinical testing. Allele origin: germline. Affected: yes. Observed: 1 variant allele.
Comment: TTN: BS1

Revvity Omics, Revvity
Classification: Likely benign. Last evaluated: 2024-10-18. Review status: criteria provided, single submitter. Criteria: ACMG Guidelines, 2015. Collection method: clinical testing. Allele origin: germline.

Blueprint Genetics
Classification: Likely benign. Last evaluated: 2024-09-02. Review status: criteria provided, single submitter. Criteria: ACMG Guidelines, 2015. Collection method: clinical testing. Allele origin: germline.

Ambry Genetics
Classification: Likely benign for Cardiovascular phenotype. Last evaluated: 2020-03-28. Review status: criteria provided, single submitter. Criteria: Ambry Variant Classification Scheme 2023. Collection method: clinical testing. Allele origin: germline.

GeneDx
Classification: Likely benign. Last evaluated: 2019-06-12. Review status: criteria provided, single submitter. Criteria: GeneDx Variant Classification Process June 2021. Collection method: clinical testing. Allele origin: germline. Affected: yes.

Eurofins Ntd Llc (ga)
Classification: Uncertain significance. Last evaluated: 2016-07-14. Review status: criteria provided, single submitter. Criteria: EGL Classification Definitions 2015. Collection method: clinical testing. Allele origin: germline. Observed: 2 variant alleles, 2 heterozygotes.

Laboratory for Molecular Medicine, Mass General Brigham Personalized Medicine
Classification: Uncertain significance. Last evaluated: 2014-07-01. Review status: criteria provided, single submitter. Criteria: LMM Criteria. Collection method: clinical testing. Allele origin: germline. Observed: 1 variant allele.
Comment: The Arg10933His variant in TTN has not been previously reported in individuals w ith cardiomyopathy or in large population studies. Computational prediction tool s and conservation analysis do not provide strong support for or against an impa ct to the protein. In summary, the clinical significance of the Arg10933His vari ant is uncertain.

PreventionGenetics, part of Exact Sciences
Classification: Likely benign for TTN-related condition. Last evaluated: 2024-06-06. Review status: no assertion criteria provided. Collection method: clinical testing. Allele origin: germline. Not counted in ClinVar's aggregate classification.
Comment: This variant is classified as likely benign based on ACMG/AMP sequence variant interpretation guidelines (Richards et al. 2015 PMID: 25741868, with internal and published modifications).